The following is an entry in ClinVar:

ClinVar aggregate classification (germline): Uncertain significance (1 of 4 stars; one submission).

gnomAD v4.1: 1 of 1,613,472 alleles (0.000062%); no homozygotes.

Submission:

Labcorp Genetics (formerly Invitae), Labcorp
Classification: Uncertain significance. Last evaluated: 2025-02-10. Review status: criteria provided, single submitter. Criteria: Invitae Variant Classification Sherloc (09022015). Collection method: clinical testing. Allele origin: germline.
Comment: This sequence change replaces alanine, which is neutral and non-polar, with threonine, which is neutral and polar, at codon 220 of the PDE3A protein (p.Ala220Thr). This variant is not present in population databases (gnomAD no frequency). This variant has not been reported in the literature in individuals affected with PDE3A-related conditions. An algorithm developed to predict the effect of missense changes on protein structure and function (PolyPhen-2) suggests that this variant is likely to be tolerated. In summary, the available evidence is currently insufficient to determine the role of this variant in disease. Therefore, it has been classified as a Variant of Uncertain Significance.

NM_000921.5(PDE3A):c.658G>A (p.Ala220Thr)

Genes: PDE3A (phosphodiesterase 3A; plus strand), PDE3A-AS1 (PDE3A antisense RNA 1; minus strand). Cytogenetic location: 12p12.2.
Variant type: single nucleotide variant.
Coding change: c.658G>A on transcript NM_000921.5 (MANE Select); coding-DNA position 658, G replaced by A.
Protein change: p.Ala220Thr; replaces alanine 220 with threonine.
Molecular consequence: missense variant. On other transcripts: non-coding transcript variant (1), 5 prime UTR variant (1).
Genome position (GRCh38, 1-based): chr12:20,369,942, G>A. VCF-style: chr12-20369942-G-A. GRCh37 (hg19) VCF-style: chr12-20522876-G-A.
Other names: c.658G>A, p.Ala220Thr (NM_001378407.1); c.-371G>A (NM_001378408.1); short protein forms A220T.
Identifiers: ClinVar variation 4742892 (VCV004742892.1).
Genomic context (GRCh38, chr12:20,369,942, plus strand): 5'-GCCGCGACATGGCTGGTGCTGAGGCTGAGGCTGGGCGTCCTCATGATCGCCTTGACTAGC[G>A]CGGTCAGGACCGTGTCCCTCATTTCCTTAGAGAGGTTCAAGGTCGCCTGGAGACCTTACC-3'
Protein context (NP_000912.3, residues 210-230): LGVLMIALTS[Ala220Thr]VRTVSLISLE